The following is an entry in ClinVar:

NM_017433.5(MYO3A):c.4453G>A (p.Glu1485Lys)

Gene: MYO3A (myosin IIIA; plus strand). Cytogenetic location: 10p12.1.
Variant type: single nucleotide variant.
Coding change: c.4453G>A on transcript NM_017433.5 (MANE Select); coding-DNA position 4453, G replaced by A.
Protein change: p.Glu1485Lys; replaces glutamic acid 1485 with lysine.
Molecular consequence: missense variant.
Genome position (GRCh38, 1-based): chr10:26,193,219, G>A. VCF-style: chr10-26193219-G-A. GRCh37 (hg19) VCF-style: chr10-26482148-G-A.
Other names: c.4453G>A (NM_017433.4); short protein forms E1485K.
Identifiers: ClinVar variation 2956967 (VCV002956967.7), dbSNP rs145362803, ClinGen allele CA5445473.

ClinVar aggregate classification (germline): Uncertain significance. Review status: criteria provided, multiple submitters, no conflicts (2 of 4 stars). 4 submissions from 4 submitters: Uncertain significance (4). Last evaluated 2026-02-19.

Conditions:
Inborn genetic diseases. Identifiers: MedGen C0950123, MeSH D030342.

Allele frequency attached by ClinVar (database versions not stated): gnomAD exomes 0.00001; ExAC 0.00003; gnomAD 0.00007; ESP Exome Variant Server 0.00008; TOPMed 0.00008.
gnomAD v4.1: 23 of 1,613,320 alleles (0.0014%); highest among the groups gnomAD compares: African/African-American, 0.028%; no homozygotes.

Submissions (4):

Women's Health and Genetics/Laboratory Corporation of America, LabCorp
Classification: Uncertain significance. Last evaluated: 2026-02-19. Review status: criteria provided, single submitter. Criteria: LabCorp Variant Classification Summary - May 2015. Collection method: clinical testing. Allele origin: germline.
Comment: Variant summary: MYO3A c.4453G>A (p.Glu1485Lys) results in a conservative amino acid change in the encoded protein sequence. Algorithms developed to predict the effect of missense changes on protein structure and function are either unavailable or do not agree on the potential impact of this missense change. The variant allele was found at a frequency of 2.8e-05 in 251286 control chromosomes. The available data on variant occurrences in the general population are insufficient to allow any conclusion about variant significance. To our knowledge, no occurrence of c.4453G>A in individuals affected with MYO3A-related conditions and no experimental evidence demonstrating its impact on protein function have been reported. ClinVar contains an entry for this variant (Variation ID: 2956967). Based on the evidence outlined above, the variant was classified as uncertain significance.

Ambry Genetics
Classification: Uncertain significance for Inborn genetic diseases. Last evaluated: 2025-08-14. Review status: criteria provided, single submitter. Criteria: Ambry Variant Classification Scheme 2023. Collection method: clinical testing. Allele origin: germline.

GeneDx
Classification: Uncertain significance. Last evaluated: 2025-07-18. Review status: criteria provided, single submitter. Criteria: GeneDx Variant Classification Process June 2021. Collection method: clinical testing. Allele origin: germline.
Comment: In silico analysis suggests that this missense variant does not alter protein structure/function; Has not been previously published as pathogenic or benign to our knowledge

Labcorp Genetics (formerly Invitae), Labcorp
Classification: Uncertain significance. Last evaluated: 2023-01-26. Review status: criteria provided, single submitter. Criteria: Invitae Variant Classification Sherloc (09022015). Collection method: clinical testing. Allele origin: germline.
Comment: In summary, the available evidence is currently insufficient to determine the role of this variant in disease. Therefore, it has been classified as a Variant of Uncertain Significance. Algorithms developed to predict the effect of missense changes on protein structure and function (SIFT, PolyPhen-2, Align-GVGD) all suggest that this variant is likely to be tolerated. This variant has not been reported in the literature in individuals affected with MYO3A-related conditions. This variant is present in population databases (rs145362803, gnomAD 0.03%). This sequence change replaces glutamic acid, which is acidic and polar, with lysine, which is basic and polar, at codon 1485 of the MYO3A protein (p.Glu1485Lys).